The following is an entry in ClinVar:

NM_014681.6(DHX34):c.3299-6C>T

Gene: DHX34 (DExH-box helicase 34; plus strand). Cytogenetic location: 19q13.32.
Variant type: single nucleotide variant.
Coding change: c.3299-6C>T on transcript NM_014681.6 (MANE Select); 6 bases into the intron before coding-DNA position 3299, C replaced by T.
Molecular consequence: intron variant.
Genome position (GRCh38, 1-based): chr19:47,381,974, C>T. VCF-style: chr19-47381974-C-T. GRCh37 (hg19) VCF-style: chr19-47885231-C-T.
Identifiers: ClinVar variation 3234193 (VCV003234193.21), dbSNP rs374537824, ClinGen allele CA9538911.

ClinVar aggregate classification (germline): Likely benign. Review status: criteria provided, multiple submitters, no conflicts (2 of 4 stars). 2 submissions from 2 submitters: Likely benign (2). Last evaluated 2024-10-02.

Allele frequency attached by ClinVar (database versions not stated): ESP Exome Variant Server 0.00008; ExAC 0.00012; gnomAD exomes 0.00014; 1000 Genomes Project 30x 0.00016; TOPMed 0.00018; 1000 Genomes Project 0.00020; gnomAD 0.00025.
gnomAD v4.1: 235 of 1,614,060 alleles (0.015%); highest among the groups gnomAD compares: Non-Finnish European, 0.019%; no homozygotes.

Submissions (2):

Blueprint Genetics
Classification: Likely benign. Last evaluated: 2024-10-02. Review status: criteria provided, single submitter. Criteria: ACMG Guidelines, 2015. Collection method: clinical testing. Allele origin: germline.

CeGaT Center for Human Genetics Tuebingen
Classification: Likely benign. Last evaluated: 2024-04-01. Review status: criteria provided, single submitter. Criteria: CeGaT Center For Human Genetics Tuebingen Variant Classification Criteria Version 2. Collection method: clinical testing. Allele origin: germline. Affected: yes. Observed: 1 variant allele.
Comment: DHX34: BP4